The following is an entry in ClinVar:

ClinVar aggregate classification (germline): Uncertain significance. Review status: criteria provided, multiple submitters, no conflicts (2 of 4 stars). 2 submissions from 2 submitters: Uncertain significance (2). Last evaluated 2024-12-07.

Conditions:
Erythrocytosis, familial, 3 (ECYT3). Identifiers: Orphanet 247511, MedGen C1853286, MONDO:0012353, OMIM 609820.

Submissions (2):

Ambry Genetics
Classification: Uncertain significance. Last evaluated: 2024-12-07. Review status: criteria provided, single submitter. Criteria: Ambry Variant Classification Scheme 2023. Collection method: clinical testing. Allele origin: germline.
Comment: The p.G145R variant (also known as c.433G>C), located in coding exon 1 of the EGLN1 gene, results from a G to C substitution at nucleotide position 433. The glycine at codon 145 is replaced by arginine, an amino acid with dissimilar properties. This amino acid position is conserved. In addition, this alteration is predicted to be tolerated by in silico analysis. Since supporting evidence is limited at this time, the clinical significance of this alteration remains unclear.

Labcorp Genetics (formerly Invitae), Labcorp
Classification: Uncertain significance for Erythrocytosis, familial, 3. Last evaluated: 2022-06-09. Review status: criteria provided, single submitter. Criteria: Invitae Variant Classification Sherloc (09022015). Collection method: clinical testing. Allele origin: germline.
Comment: Algorithms developed to predict the effect of missense changes on protein structure and function output the following: SIFT: "Tolerated"; PolyPhen-2: "Possibly Damaging"; Align-GVGD: "Class C0". The arginine amino acid residue is found in multiple mammalian species, which suggests that this missense change does not adversely affect protein function. This variant has not been reported in the literature in individuals affected with EGLN1-related conditions. This variant is not present in population databases (gnomAD no frequency). This sequence change replaces glycine, which is neutral and non-polar, with arginine, which is basic and polar, at codon 145 of the EGLN1 protein (p.Gly145Arg). In summary, the available evidence is currently insufficient to determine the role of this variant in disease. Therefore, it has been classified as a Variant of Uncertain Significance.

NM_022051.3(EGLN1):c.433G>C (p.Gly145Arg)

Gene: EGLN1 (egl-9 family hypoxia inducible factor 1; minus strand). Cytogenetic location: 1q42.2.
Variant type: single nucleotide variant.
Coding change: c.433G>C on transcript NM_022051.3 (MANE Select); coding-DNA position 433, G replaced by C.
Protein change: p.Gly145Arg; replaces glycine 145 with arginine.
Molecular consequence: missense variant.
Genome position (GRCh38, 1-based): chr1:231,421,456, C>G on the plus strand (G>C on the coding strand, the complement: EGLN1 is on the minus strand). VCF-style: chr1-231421456-C-G. GRCh37 (hg19) VCF-style: chr1-231557202-C-G.
Other names: c.433G>C, p.Gly145Arg (NM_001377260.1, NM_001377261.1); short protein forms G145R.
Identifiers: ClinVar variation 1739853 (VCV001739853.8), dbSNP rs1315594272, ClinGen allele CA345237049.